The following is an entry in ClinVar:

NM_001822.7(CHN1):c.377T>C (p.Ile126Thr)

Gene: CHN1 (chimerin 1; minus strand). Cytogenetic location: 2q31.1.
Variant type: single nucleotide variant.
Coding change: c.377T>C on transcript NM_001822.7 (MANE Select); coding-DNA position 377, T replaced by C.
Protein change: p.Ile126Thr; replaces isoleucine 126 with threonine.
Molecular consequence: missense variant.
Genome position (GRCh38, 1-based): chr2:174,878,012, A>G on the plus strand (T>C on the coding strand, the complement: CHN1 is on the minus strand). VCF-style: chr2-174878012-A-G. GRCh37 (hg19) VCF-style: chr2-175742740-A-G.
Other names: c.377T>C, p.Ile126Thr (NM_001025201.4, NM_001371513.1); c.428T>C, p.Ile143Thr (NM_001371514.1); short protein forms I126T, I143T.
Identifiers: ClinVar variation 2295509 (VCV002295509.2), dbSNP rs2469081713, ClinGen allele CA349689772.

ClinVar aggregate classification (germline): Uncertain significance (1 of 4 stars; one submission).

Conditions:
Inborn genetic diseases. Identifiers: MedGen C0950123, MeSH D030342.

Submission:

Ambry Genetics
Classification: Uncertain significance for Inborn genetic diseases. Last evaluated: 2022-07-17. Review status: criteria provided, single submitter. Criteria: Ambry Variant Classification Scheme 2023. Collection method: clinical testing. Allele origin: germline.
Comment: The c.377T>C (p.I126T) alteration is located in exon 6 (coding exon 6) of the CHN1 gene. This alteration results from a T to C substitution at nucleotide position 377, causing the isoleucine (I) at amino acid position 126 to be replaced by a threonine (T). This variant was not reported in population-based cohorts in the Genome Aggregation Database (gnomAD). Another alteration at the same codon, p.I126M (c.378T>G), has been detected in a family with Duane syndrome (Miyake, 2008). This amino acid position is well conserved in available vertebrate species. The in silico prediction for this alteration is inconclusive. Based on insufficient or conflicting evidence, the clinical significance of this alteration remains unclear.

Literature cited by the submitters: PubMed 18653847.